The following is an entry in ClinVar:

ClinVar aggregate classification (germline): Likely benign (1 of 4 stars; one submission).

Conditions:
LAMB1-related disorder. Also called: LAMB1-related condition.

gnomAD v4.1: 14 of 1,526,516 alleles (0.00092%); highest among the groups gnomAD compares: Non-Finnish European, 0.0013%; no homozygotes.

Submission:

PreventionGenetics, part of Exact Sciences
Classification: Likely benign for LAMB1-related condition. Last evaluated: 2025-03-03. Review status: criteria provided, single submitter. Criteria: ACMG Guidelines, 2015. Collection method: clinical testing. Allele origin: germline.
Comment: This variant is classified as likely benign based on ACMG/AMP sequence variant interpretation guidelines (Richards et al. 2015 PMID: 25741868, with internal and published modifications).

NM_002291.3(LAMB1):c.423+9T>A

Gene: LAMB1 (laminin subunit beta 1; minus strand). Cytogenetic location: 7q31.1.
Variant type: single nucleotide variant.
Coding change: c.423+9T>A on transcript NM_002291.3 (MANE Select); 9 bases into the intron after coding-DNA position 423, T replaced by A.
Molecular consequence: intron variant.
Genome position (GRCh38, 1-based): chr7:107,994,878, A>T on the plus strand (T>A on the coding strand, the complement: LAMB1 is on the minus strand). VCF-style: chr7-107994878-A-T. GRCh37 (hg19) VCF-style: chr7-107635323-A-T.
Identifiers: ClinVar variation 4977810 (VCV004977810.1).